The following is an entry in ClinVar:

NM_000038.6(APC):c.1744-1262G>T

Gene: APC (APC regulator of WNT signaling pathway; plus strand). Cytogenetic location: 5q22.2.
Variant type: single nucleotide variant.
Coding change: c.1744-1262G>T on transcript NM_000038.6 (MANE Select); 1262 bases into the intron before coding-DNA position 1744, G replaced by T.
Molecular consequence: intron variant.
Genome position (GRCh38, 1-based): chr5:112,833,689, G>T. VCF-style: chr5-112833689-G-T. GRCh37 (hg19) VCF-style: chr5-112169386-G-T.
Other names: c.1744-1262G>T (NM_001354895.2, NM_001127510.3); c.1774-1262G>T (NM_001354897.2); c.1471-1262G>T (NM_001354902.2); c.1690-1262G>T (NM_001127511.3); c.1669-1262G>T (NM_001354898.2); c.1366-1262G>T (NM_001354904.2); c.895-1262G>T (NM_001354906.2); c.1798-1262G>T (NM_001354896.2); and 5 more.
Identifiers: ClinVar variation 83195 (VCV000083195.2), dbSNP rs77722546, ClinGen allele CA005745.

ClinVar aggregate classification (germline): other (0 of 4 stars; one submission).

Conditions:
Familial colorectal cancer. Identifiers: MedGen CN280943, MONDO:0023113. Disease mechanism: loss of function.

Submission:

Systems Biology Platform Zhejiang California International NanoSystems Institute
Classification: other for Familial colorectal cancer. Review status: no assertion criteria provided. Collection method: not provided. Allele origin: unknown.
ClinVar note: Converted during submission from cancer to other.